The following is an entry in ClinVar:

NC_012920.1(MT-ATP8):m.8411A>G

Gene: MT-ATP8 (mitochondrially encoded ATP synthase 8; plus strand).
Variant type: single nucleotide variant.
Genome position: chrM-8411-A-G.
Identifiers: ClinVar variation 692848 (VCV000692848.1), dbSNP rs878942289, ClinGen allele CA414795989.
Genomic context (GRCh38, chrMT:8,411, plus strand): 5'-CCTCTTTACAGTGAAATGCCCCAACTAAATACTACCGTATGGCCCACCATAATTACCCCC[A>G]TACTCCTTACACTATTCCTCATCACCCAACTAAAAATATTAAACACAAACTACCACCTAC-3'

ClinVar aggregate classification (germline): Uncertain significance (1 of 4 stars; one submission).

Conditions:
Leigh syndrome (NULS). Also called: Leigh's necrotizing encephalopathy; Leigh's disease; Leigh Syndrome (mtDNA deletion); Leigh Disease; Subacute necrotizing encephalopathy; Necrotizing encephalopathy infantile subacute of Leigh. Identifiers: Orphanet 506, MedGen C2931891, MONDO:0009723, OMIM 256000.

Submission:

Wong Mito Lab, Molecular and Human Genetics, Baylor College of Medicine
Classification: Uncertain significance for Leigh syndrome. Last evaluated: 2019-10-17. Review status: criteria provided, single submitter. Criteria: Modified ACMG Guidelines (Unpublished). Collection method: clinical testing. Allele origin: germline.
Comment: The NC_012920.1:m.8411A>G (YP_003024030.1:p.Met16Val) variant in MTATP8 gene is interpretated to be a Uncertain Significance variant based on the modified ACMG guidelines (unpublished). This variant meets the following evidence codes: PM9, PP4, PP6

Literature cited by the submitters: PubMed 20207608.